The following is an entry in ClinVar:

NM_001621.5(AHR):c.1255C>A (p.Pro419Thr)

Gene: AHR (aryl hydrocarbon receptor; plus strand). Cytogenetic location: 7p21.1.
Variant type: single nucleotide variant.
Coding change: c.1255C>A on transcript NM_001621.5 (MANE Select); coding-DNA position 1255, C replaced by A.
Protein change: p.Pro419Thr; replaces proline 419 with threonine.
Molecular consequence: missense variant.
Genome position (GRCh38, 1-based): chr7:17,339,080, C>A. VCF-style: chr7-17339080-C-A. GRCh37 (hg19) VCF-style: chr7-17378704-C-A.
Other names: short protein forms P419T.
Identifiers: ClinVar variation 2147677 (VCV002147677.1), dbSNP rs775106689, ClinGen allele CA4172069.
Genomic context (GRCh38, chr7:17,339,080, plus strand): 5'-AATACGAAGTTGCCTTTTATGTTTACCACTGGAGAAGCTGTGTTGTATGAGGCAACCAAC[C>A]CTTTTCCTGCCATAATGGATCCCTTACCACTAAGGACTAAAAATGGCACTAGTGGAAAAG-3'
Protein context (NP_001612.1, residues 409-429): GEAVLYEATN[Pro419Thr]FPAIMDPLPL

ClinVar aggregate classification (germline): Uncertain significance (1 of 4 stars; one submission).

Allele frequency attached by ClinVar (database versions not stated): ExAC 0.00001.
gnomAD v4.1: 1 of 1,614,054 alleles (0.000062%); highest among the groups gnomAD compares: Non-Finnish European, 0.000085%; no homozygotes.

Submission:

Labcorp Genetics (formerly Invitae), Labcorp
Classification: Uncertain significance. Last evaluated: 2022-08-23. Review status: criteria provided, single submitter. Criteria: Invitae Variant Classification Sherloc (09022015). Collection method: clinical testing. Allele origin: germline.
Comment: This sequence change replaces proline, which is neutral and non-polar, with threonine, which is neutral and polar, at codon 419 of the AHR protein (p.Pro419Thr). This variant is not present in population databases (gnomAD no frequency). This variant has not been reported in the literature in individuals affected with AHR-related conditions. Algorithms developed to predict the effect of missense changes on protein structure and function (SIFT, PolyPhen-2, Align-GVGD) all suggest that this variant is likely to be tolerated. In summary, the available evidence is currently insufficient to determine the role of this variant in disease. Therefore, it has been classified as a Variant of Uncertain Significance.